The following is an entry in ClinVar:

ClinVar aggregate classification (germline): Benign/Likely benign. Review status: criteria provided, multiple submitters, no conflicts (2 of 4 stars). 3 submissions from 3 submitters: Benign (1); Likely benign (2). Last evaluated 2026-07-04.

Conditions:
Tuberous sclerosis 2 (TSC2). Identifiers: Orphanet 805, MedGen C1860707, MONDO:0013199, OMIM 613254.
Hereditary cancer-predisposing syndrome. Also called: Neoplastic Syndromes, Hereditary; Tumor predisposition; Hereditary Cancer Syndrome; Hereditary neoplastic syndrome. Identifiers: Orphanet 140162, MedGen C0027672, MeSH D009386, MONDO:0015356.

Allele frequency attached by ClinVar (database versions not stated): gnomAD exomes below 0.00001.
gnomAD v4.1: 3 of 1,613,024 alleles (0.00019%); highest among the groups gnomAD compares: East Asian, 0.0045%; no homozygotes.

Submissions (3):

Ambry Genetics
Classification: Likely benign for Hereditary cancer-predisposing syndrome. Last evaluated: 2026-07-04. Review status: criteria provided, single submitter. Criteria: Ambry Variant Classification Scheme 2023. Collection method: clinical testing. Allele origin: germline.

Labcorp Genetics (formerly Invitae), Labcorp
Classification: Likely benign for Tuberous sclerosis 2. Last evaluated: 2025-08-24. Review status: criteria provided, single submitter. Criteria: Invitae Variant Classification Sherloc (09022015). Collection method: clinical testing. Allele origin: germline.

Myriad Genetics, Inc.
Classification: Benign for Tuberous sclerosis 2. Last evaluated: 2025-05-27. Review status: criteria provided, single submitter. Criteria: Myriad Autosomal Dominant, Autosomal Recessive and X-Linked Classification Criteria (2023). Collection method: clinical testing. Allele origin: unknown.
Comment: This variant is considered benign. This variant is a silent/synonymous amino acid change and it is not expected to impact splicing.

NM_000548.5(TSC2):c.3027C>G (p.Ala1009=)

Gene: TSC2 (TSC complex subunit 2; plus strand). Cytogenetic location: 16p13.3.
Variant type: single nucleotide variant.
Coding change: c.3027C>G on transcript NM_000548.5 (MANE Select); coding-DNA position 3027, C replaced by G.
Protein change: p.Ala1009=; no amino-acid change (alanine 1009 retained).
Molecular consequence: synonymous variant.
Genome position (GRCh38, 1-based): chr16:2,079,092, C>G. VCF-style: chr16-2079092-C-G. GRCh37 (hg19) VCF-style: chr16-2129093-C-G.
Other names: c.2895C>G, p.Ala965= (NM_001077183.3, NM_001370404.1); c.3027C>G, p.Ala1009= (NM_001114382.3); c.2787C>G, p.Ala929= (NM_001318827.2); c.2751C>G, p.Ala917= (NM_001318829.2); c.2295C>G, p.Ala765= (NM_001318831.2); c.2928C>G, p.Ala976= (NM_001318832.2); c.2898C>G, p.Ala966= (NM_001363528.2, NM_001370405.1, NM_021055.3); c.3027C>G (NM_000548.3).
Identifiers: ClinVar variation 1116293 (VCV001116293.11), dbSNP rs1320888448, ClinGen allele CA493042727.